The following is an entry in ClinVar:

ClinVar aggregate classification (germline): Uncertain significance. Review status: criteria provided, multiple submitters, no conflicts (2 of 4 stars). 2 submissions from 2 submitters: Uncertain significance (2). Last evaluated 2025-10-08.

Conditions:
Epileptic encephalopathy. Identifiers: MedGen C0543888, HP:0200134.

Allele frequency attached by ClinVar (database versions not stated): gnomAD exomes below 0.00001 and 0.00001; ExAC 0.00008.

Submissions (2):

Ambry Genetics
Classification: Uncertain significance. Last evaluated: 2025-10-08. Review status: criteria provided, single submitter. Criteria: Ambry Variant Classification Scheme 2023. Collection method: clinical testing. Allele origin: germline.

Labcorp Genetics (formerly Invitae), Labcorp
Classification: Uncertain significance for Epileptic encephalopathy. Last evaluated: 2021-02-24. Review status: criteria provided, single submitter. Criteria: Invitae Variant Classification Sherloc (09022015). Collection method: clinical testing. Allele origin: germline.
Comment: In summary, the available evidence is currently insufficient to determine the role of this variant in disease. Therefore, it has been classified as a Variant of Uncertain Significance. Algorithms developed to predict the effect of missense changes on protein structure and function are either unavailable or do not agree on the potential impact of this missense change (SIFT: "Deleterious"; PolyPhen-2: "Probably Damaging"; Align-GVGD: "Class C0"). This variant has not been reported in the literature in individuals with FASN-related conditions. While this variant is present in population databases (rs771483135), the frequency information is unreliable, as metrics indicate poor data quality at this position in the ExAC database. This sequence change replaces glycine with serine at codon 1681 of the FASN protein (p.Gly1681Ser). The glycine residue is highly conserved and there is a small physicochemical difference between glycine and serine.

NM_004104.5(FASN):c.5041G>A (p.Gly1681Ser)

Gene: FASN (fatty acid synthase; minus strand). Cytogenetic location: 17q25.3.
Variant type: single nucleotide variant.
Coding change: c.5041G>A on transcript NM_004104.5 (MANE Select); coding-DNA position 5041, G replaced by A.
Protein change: p.Gly1681Ser; replaces glycine 1681 with serine.
Molecular consequence: missense variant.
Genome position (GRCh38, 1-based): chr17:82,084,032, C>T on the plus strand (G>A on the coding strand, the complement: FASN is on the minus strand). VCF-style: chr17-82084032-C-T. GRCh37 (hg19) VCF-style: chr17-80041908-C-T.
Other names: c.5041G>A (NM_004104.4); short protein forms G1681S.
Identifiers: ClinVar variation 1507282 (VCV001507282.9), dbSNP rs771483135, ClinGen allele CA8851850.